The following continues an entry in ClinVar:

NM_000535.7(PMS2):c.1567T>A (p.Ser523Thr)

Gene: PMS2. ClinVar aggregate classification (germline): Conflicting classifications of pathogenicity. Uncertain significance (5); Benign (1); Likely benign (11).

Submissions 15 to 20 of 20:

University of Washington Department of Laboratory Medicine, University of Washington
Classification: Likely benign for Hereditary nonpolyposis colon cancer. Last evaluated: 2019-01-31. Review status: criteria provided, single submitter. Criteria: Shirts et al. (Genet Med 2016). Collection method: clinical testing. Allele origin: germline. Affected: yes. Observed: 1 variant allele.
Comment: This variant is found in population databases at a higher frequency than expected for pathogenic variants in the PMS2 gene (Kobayashi 2017). This variant is not located in a functional domain and its genomic position is not highly conserved. Computational algorithms classify this variant as tolerated. This variant has an entry in the ClinVar database (Variation ID: 127763) and has been classified as likely benign by another laboratory where it has been seen in patients with other genetic causes that explain their cancer history. Familial cosegregation analysis showed a likelihood ratio of 0.85 (Thompson 2003), adding more evidence that the variant is benign. Bayesian analysis integrating all this data gives a 2% probability of pathogenicity (Tavtigian 2018, Tsai 2018), which is consistent with a classification of likely benign. Therefore, PMS2 p.S523T is now classified as likely benign.

Ambry Genetics
Classification: Likely benign for Hereditary cancer-predisposing syndrome. Last evaluated: 2018-11-28. Review status: criteria provided, single submitter. Criteria: Ambry Variant Classification Scheme 2023. Collection method: clinical testing. Allele origin: germline.

GeneKor MSA
Classification: Uncertain significance for Hereditary cancer-predisposing syndrome. Last evaluated: 2018-08-01. Review status: criteria provided, single submitter. Criteria: ACMG Guidelines, 2015. Collection method: clinical testing. Allele origin: germline. Affected: yes.

Counsyl
Classification: Uncertain significance for Lynch syndrome 4. Last evaluated: 2017-06-29. Review status: no assertion criteria provided. Collection method: clinical testing. Allele origin: unknown. Not counted in ClinVar's aggregate classification.

ITMI
No classification provided. Condition: AllHighlyPenetrant. Last evaluated: 2013-09-19. Review status: no classification provided. Collection method: reference population. Allele origin: germline. Not counted in ClinVar's aggregate classification.
Comment: Please see associated publication for description of ethnicities

Department of Pathology and Laboratory Medicine, Sinai Health System
Classification: Likely benign for Carcinoma of colon. Review status: no assertion criteria provided. Collection method: clinical testing. Allele origin: unknown. Affected: yes. Study: The Canadian Open Genetics Repository (COGR). Not counted in ClinVar's aggregate classification.
Comment: The PMS2 p.Ser523Thr variant was identified in 2 of 3900 proband chromosomes (frequency: 0.0005) from individuals or families with breast or colon cancer (Shirts 2015, Tung 2016). The variant was also identified in dbSNP (ID: rs63751132 as "With Uncertain significance allele"), ClinVar (2x as likely benign by Ambry Genetics and Invitae and 4x as uncertain significance by Counsyl, GeneDx, and two other clinical laboratories), Mismatch Repair Genes Variant Database, and InSiGHT Hereditary Tumors database. The variant was not identified in the COGR, Cosmic, MutDB, or Zhejiang University database. The variant was identified in control databases in 46 of 276928 chromosomes at a frequency of 0.0002, increasing the likelihood this could be a low frequency benign variant (Genome Aggregation Database Feb 27, 2017). The variant was observed in the following populations: European in 28 of 126528 chromosomes (freq: 0.0002), Other in 1 of 6464 chromosomes (freq: 0.0002), Latino in 1 of 34418 chromosomes (freq: 0.00003), Finnish in 2 of 25786 chromosomes (freq: 0.00008), and South Asian in 14 of 30782 chromosomes (freq: 0.0005); it was not observed in the African, Ashkenazi Jewish, or East Asian populations. The variant was identified with a co-occurring pathogenic PMS2 (PMS2 c.1492del11; Nomura 2015), also increasing the likelihood that the p.Ser523Thr variant does not have clinical significance. The p.Ser523 residue is not conserved in mammals and 3 of 4 computational analyses (PolyPhen-2, SIFT, AlignGVGD, MutationTaster) do not suggest a high likelihood of impact to the protein; however, this information is not predictive enough to rule out pathogenicity. The variant occurs outside of the splicing consensus sequence and 3 of 4 in silico or computational prediction software programs (SpliceSiteFinder, MaxEntScan, NNSPLICE, GeneSplicer) do not predict a difference in splicing. In summary, based on the above information the clinical significance of this variant cannot be determined with certainty at this time although we would lean towards a more benign role for this variant. This variant is classified as likely benign.

Literature cited by the submitters: PubMed 17016615 (cited by Quest Diagnostics Nichols Institute San Juan Capistrano); PubMed 20186688 (cited by Quest Diagnostics Nichols Institute San Juan Capistrano); PubMed 26232782 (cited by 5 submitters); PubMed 22290698 (cited by 4 submitters); PubMed 28135145 (cited by 3 submitters); PubMed 27930734 (cited by 3 submitters); PubMed 26689913 (cited by 3 submitters); PubMed 31159747 (cited by Quest Diagnostics Nichols Institute San Juan Capistrano and Sema4); PubMed 31992580 (cited by Quest Diagnostics Nichols Institute San Juan Capistrano and Sema4); PubMed 34284872 (cited by Quest Diagnostics Nichols Institute San Juan Capistrano); PubMed 35449176 (cited by Quest Diagnostics Nichols Institute San Juan Capistrano); PubMed 33471991 (cited by Quest Diagnostics Nichols Institute San Juan Capistrano and Sema4); PubMed 32547938 (cited by Quest Diagnostics Nichols Institute San Juan Capistrano and Sema4); PubMed 31433215 (cited by Quest Diagnostics Nichols Institute San Juan Capistrano and Sema4); PubMed 32095738 (cited by Quest Diagnostics Nichols Institute San Juan Capistrano); PubMed 26845104 (cited by 4 submitters); PubMed 26976419 (cited by 5 submitters); PubMed 24728327 (cited by 4 submitters); PubMed 28166811 (cited by University of Washington Department of Laboratory Medicine, University of Washington); PubMed 12900794 (cited by University of Washington Department of Laboratory Medicine, University of Washington); PubMed 22949379 (cited by University of Washington Department of Laboratory Medicine, University of Washington); PubMed 29300386 (cited by University of Washington Department of Laboratory Medicine, University of Washington); PubMed 30374176 (cited by University of Washington Department of Laboratory Medicine, University of Washington); PubMed 15470502 (cited by Ambry Genetics).